The following is an entry in ClinVar:

NM_004946.3(DOCK2):c.4913G>A (p.Arg1638His)

Gene: DOCK2 (dedicator of cytokinesis 2; plus strand). Cytogenetic location: 5q35.1.
Variant type: single nucleotide variant.
Coding change: c.4913G>A on transcript NM_004946.3 (MANE Select); coding-DNA position 4913, G replaced by A.
Protein change: p.Arg1638His; replaces arginine 1638 with histidine.
Molecular consequence: missense variant. On other transcripts: non-coding transcript variant (1).
Genome position (GRCh38, 1-based): chr5:170,077,756, G>A. VCF-style: chr5-170077756-G-A. GRCh37 (hg19) VCF-style: chr5-169504760-G-A.
Other names: short protein forms R1638H.
Identifiers: ClinVar variation 951443 (VCV000951443.8), dbSNP rs529714012, ClinGen allele CA3554695.
Genomic context (GRCh38, chr5:170,077,756, plus strand): 5'-TTCTCCCACCACAGCCTGACTTTGACGACAGGAGAGTGGGCCGTCCCAGGTCTATGCTGC[G>A]CTCATACAGACAGATGTCCATCATCTCTCTGGCTTCCATGAATTCTGACTGCAGCACCCC-3'
Protein context (NP_004937.1, residues 1628-1648): RRVGRPRSML[Arg1638His]SYRQMSIISL

ClinVar aggregate classification (germline): Uncertain significance (1 of 4 stars; one submission).

Conditions:
DOCK2 deficiency. Also called: Immunodeficiency 40. Identifiers: Orphanet 447737, MedGen C4225328, MONDO:0014637, OMIM 616433.

Allele frequency attached by ClinVar (database versions not stated): gnomAD 0.00001 and 0.00002; gnomAD exomes 0.00001; TOPMed 0.00001; ExAC 0.00002; 1000 Genomes Project 30x 0.00016; 1000 Genomes Project 0.00020.
gnomAD v4.1: 20 of 1,613,854 alleles (0.0012%); highest among the groups gnomAD compares: East Asian, 0.0022%; 1 homozygote.

Submission:

Labcorp Genetics (formerly Invitae), Labcorp
Classification: Uncertain significance for DOCK2 deficiency. Last evaluated: 2019-05-13. Review status: criteria provided, single submitter. Criteria: Invitae Variant Classification Sherloc (09022015). Collection method: clinical testing. Allele origin: germline.
Comment: This variant has not been reported in the literature in individuals with DOCK2-related conditions. This variant is present in population databases (rs529714012, ExAC 0.01%). This sequence change replaces arginine with histidine at codon 1638 of the DOCK2 protein (p.Arg1638His). The arginine residue is moderately conserved and there is a small physicochemical difference between arginine and histidine. Algorithms developed to predict the effect of missense changes on protein structure and function (SIFT, PolyPhen-2, Align-GVGD) all suggest that this variant is likely to be tolerated, but these predictions have not been confirmed by published functional studies and their clinical significance is uncertain. In summary, the available evidence is currently insufficient to determine the role of this variant in disease. Therefore, it has been classified as a Variant of Uncertain Significance.